The following is an entry in ClinVar:

ClinVar aggregate classification (germline): Uncertain significance. Review status: criteria provided, multiple submitters, no conflicts (2 of 4 stars). 3 submissions from 3 submitters: Uncertain significance (2). 1 of the submissions does not count toward it. Last evaluated 2025-08-20.

Conditions:
Fumarase deficiency (FMRD). Also called: Fumarate Hydratase Deficiency; Fumaric aciduria. Identifiers: Orphanet 24, MedGen C0342770, MONDO:0011730, OMIM 606812.
Hereditary cancer-predisposing syndrome. Also called: Hereditary Cancer Syndrome; Neoplastic Syndromes, Hereditary; Hereditary neoplastic syndrome; Tumor predisposition. Identifiers: Orphanet 140162, MedGen C0027672, MeSH D009386, MONDO:0015356.

Submissions (3):

Ambry Genetics
Classification: Uncertain significance for Hereditary cancer-predisposing syndrome. Last evaluated: 2025-08-20. Review status: criteria provided, single submitter. Criteria: Ambry Variant Classification Scheme 2023. Collection method: clinical testing. Allele origin: germline.
Comment: The p.M388V variant (also known as c.1162A>G), located in coding exon 8 of the FH gene, results from an A to G substitution at nucleotide position 1162. The methionine at codon 388 is replaced by valine, an amino acid with highly similar properties. This amino acid position is highly conserved in available vertebrate species. In addition, this alteration is predicted to be deleterious by in silico analysis. Based on the available evidence, the clinical significance of this variant remains unclear.

Labcorp Genetics (formerly Invitae), Labcorp
Classification: Uncertain significance. Last evaluated: 2025-06-22. Review status: criteria provided, single submitter. Criteria: Invitae Variant Classification Sherloc (09022015). Collection method: clinical testing. Allele origin: germline.
Comment: This sequence change replaces methionine, which is neutral and non-polar, with valine, which is neutral and non-polar, at codon 388 of the FH protein (p.Met388Val). This variant is not present in population databases (gnomAD no frequency). This variant has not been reported in the literature in individuals affected with FH-related conditions. ClinVar contains an entry for this variant (Variation ID: 818456). Invitae Evidence Modeling of protein sequence and biophysical properties (such as structural, functional, and spatial information, amino acid conservation, physicochemical variation, residue mobility, and thermodynamic stability) has been performed for this missense variant. However, the output from this modeling did not meet the statistical confidence thresholds required to predict the impact of this variant on FH protein function. In summary, the available evidence is currently insufficient to determine the role of this variant in disease. Therefore, it has been classified as a Variant of Uncertain Significance.

Natera, Inc.
Classification: Uncertain significance for Fumarase Deficiency. Last evaluated: 2025-03-31. Review status: no assertion criteria provided. Collection method: clinical testing. Allele origin: germline. Not counted in ClinVar's aggregate classification.

NM_000143.4(FH):c.1162A>G (p.Met388Val)

Gene: FH (fumarate hydratase; minus strand). Cytogenetic location: 1q43.
Variant type: single nucleotide variant.
Coding change: c.1162A>G on transcript NM_000143.4 (MANE Select); coding-DNA position 1162, A replaced by G.
Protein change: p.Met388Val; replaces methionine 388 with valine.
Molecular consequence: missense variant.
Genome position (GRCh38, 1-based): chr1:241,502,517, T>C on the plus strand (A>G on the coding strand, the complement: FH is on the minus strand). VCF-style: chr1-241502517-T-C. GRCh37 (hg19) VCF-style: chr1-241665817-T-C.
Other names: short protein forms M388V.
Identifiers: ClinVar variation 818456 (VCV000818456.11), dbSNP rs1573879331, ClinGen allele CA345437473.